The following is an entry in ClinVar:

ClinVar aggregate classification (germline): Likely pathogenic (1 of 4 stars; one submission).

Conditions:
Severe combined immunodeficiency disease. Also called: Severe combined immunodeficiency; Severe Combined Immune Deficiency. Identifiers: Orphanet 183660, MedGen C0085110, MeSH D016511, MONDO:0015974, HP:0004430. Inheritance: X-Linked or Autosomal recessive.

Submission:

Women's Health and Genetics/Laboratory Corporation of America, LabCorp
Classification: Likely pathogenic for Severe combined immunodeficiency disease. Last evaluated: 2021-12-28. Review status: criteria provided, single submitter. Criteria: LabCorp Variant Classification Summary - May 2015. Collection method: clinical testing. Allele origin: germline.
Comment: Variant summary: MALT1 c.1612_1615delAAGT (p.Lys538ValfsX10) results in a premature termination codon, predicted to cause a truncation of the encoded protein or absence of the protein due to nonsense mediated decay, which are commonly known mechanisms for disease. Truncations downstream of this position have not been classified as pathogenic by our laboratory or reported in any prominent databases. The variant was absent in 240476 control chromosomes. To our knowledge, no occurrence of c.1612_1615delAAGT in individuals affected with Severe Combined Immunodeficiency and no experimental evidence demonstrating its impact on protein function have been reported. No clinical diagnostic laboratories have submitted clinical-significance assessments for this variant to ClinVar after 2014. Based on the evidence outlined above, the variant was classified as likely pathogenic.

NM_006785.4(MALT1):c.1612_1615del (p.Lys538fs)

Gene: MALT1 (MALT1 paracaspase; plus strand). Cytogenetic location: 18q21.32.
Variant type: Deletion.
Coding change: c.1612_1615del on transcript NM_006785.4 (MANE Select); coding-DNA positions 1612 to 1615, 4 bases deleted (AAGT; older notation c.1612_1615delAAGT).
Protein change: p.Lys538fs; shifts the reading frame from lysine 538.
Molecular consequence: frameshift variant.
Genome position (GRCh38, 1-based): chr18:58,741,873-58,741,876, AAGT deleted; deleting any 4 consecutive bases within chr18:58,741,871-58,741,876 gives the same sequence; the c. name uses the placement nearest the transcript's 3' end. VCF-style (leftmost placement, unchanged base first): chr18-58741870-GGTAA-G. GRCh37 (hg19) VCF-style: chr18-56409102-GGTAA-G.
Other names: c.1579_1582del, p.Lys527fs (NM_173844.3); short protein forms K527fs, K538fs.
Identifiers: ClinVar variation 1331495 (VCV001331495.1), dbSNP rs2144484602, ClinGen allele CA2573054689.
Genomic context (GRCh38, chr18:58,741,870, plus strand): 5'-TTAAAACATAAGAATTGGTGGTCTTAAAAATAATATTTATTTTCATATCTTTTAGATATG[GGTAA>G]GTGTCACCTTACCAAAGGCAAACAGGCTCTAGAGATTCGAAGTAGTTTATCTGAGAAGAG-3'